The following is an entry in ClinVar:

ClinVar aggregate classification (germline): Uncertain significance. Review status: criteria provided, multiple submitters, no conflicts (2 of 4 stars). 3 submissions from 3 submitters: Uncertain significance (3). Last evaluated 2025-08-08.

Conditions:
Parkinsonism-dystonia, infantile. Identifiers: Orphanet 238455, MedGen C2751067, MONDO:0013150.
Inborn genetic diseases. Identifiers: MedGen C0950123, MeSH D030342.

Allele frequency attached by ClinVar (database versions not stated): ExAC 0.00004; gnomAD exomes 0.00004; TOPMed 0.00006; gnomAD 0.00009; ESP Exome Variant Server 0.00023.

Submissions (3):

GeneDx
Classification: Uncertain significance. Last evaluated: 2025-08-08. Review status: criteria provided, single submitter. Criteria: GeneDx Variant Classification Process June 2021. Collection method: clinical testing. Allele origin: germline. Affected: yes.
Comment: Not observed at significant frequency in large population cohorts (gnomAD); In silico analysis suggests that this missense variant does not alter protein structure/function; Has not been previously published as pathogenic or benign to our knowledge

Labcorp Genetics (formerly Invitae), Labcorp
Classification: Uncertain significance for Parkinsonism-dystonia, infantile. Last evaluated: 2022-09-12. Review status: criteria provided, single submitter. Criteria: Invitae Variant Classification Sherloc (09022015). Collection method: clinical testing. Allele origin: germline.
Comment: This sequence change replaces methionine, which is neutral and non-polar, with isoleucine, which is neutral and non-polar, at codon 11 of the SLC6A3 protein (p.Met11Ile). This variant is present in population databases (rs143342582, gnomAD 0.009%). This variant has not been reported in the literature in individuals affected with SLC6A3-related conditions. ClinVar contains an entry for this variant (Variation ID: 835888). Algorithms developed to predict the effect of missense changes on protein structure and function are either unavailable or do not agree on the potential impact of this missense change (SIFT: "Deleterious"; PolyPhen-2: "Benign"; Align-GVGD: "Class C0"). In summary, the available evidence is currently insufficient to determine the role of this variant in disease. Therefore, it has been classified as a Variant of Uncertain Significance.

Ambry Genetics
Classification: Uncertain significance for Inborn genetic diseases. Last evaluated: 2021-09-02. Review status: criteria provided, single submitter. Criteria: Ambry Variant Classification Scheme 2023. Collection method: clinical testing. Allele origin: germline.

NM_001044.5(SLC6A3):c.33G>C (p.Met11Ile)

Gene: SLC6A3 (solute carrier family 6 member 3). Cytogenetic location: 5p15.33.
Variant type: single nucleotide variant.
Coding change: c.33G>C on transcript NM_001044.5 (MANE Select); coding-DNA position 33, G replaced by C.
Protein change: p.Met11Ile; replaces methionine 11 with isoleucine.
Molecular consequence: missense variant.
Genome position (GRCh38, 1-based): chr5:1,443,165, C>G on the plus strand (G>C on the coding strand, the complement: SLC6A3 is on the minus strand). VCF-style: chr5-1443165-C-G. GRCh37 (hg19) VCF-style: chr5-1443280-C-G.
Other names: short protein forms M11I.
Identifiers: ClinVar variation 835888 (VCV000835888.10), dbSNP rs143342582, ClinGen allele CA3186503.
Genomic context (GRCh38, chr5:1,443,165, plus strand): 5'-GAGCTCCACCTCCTTCGGGCCCACGGCATTGGGCTCCTTAGCCGGGGCCACCACGGAAGA[C>G]ATGAGTCCCACGGAGCATTTGCTCTTACTCATGGGCACACTGGGAGTTGAGGAATTCTGT-3'
Protein context (NP_001035.1, residues 1-21): MSKSKCSVGL[Met11Ile]SSVVAPAKEP